The following is an entry in ClinVar:

ClinVar aggregate classification (germline): Uncertain significance. Review status: criteria provided, multiple submitters, no conflicts (2 of 4 stars). 2 submissions from 2 submitters: Uncertain significance (2). Last evaluated 2026-09-30.

Conditions:
Inborn genetic diseases. Identifiers: MedGen C0950123, MeSH D030342.

Allele frequency attached by ClinVar (database versions not stated): 1000 Genomes Project 0.00020; ESP Exome Variant Server 0.00023; gnomAD exomes 0.00003; gnomAD 0.00038; ExAC 0.00007; 1000 Genomes Project 30x 0.00016; TOPMed 0.00042.
gnomAD v4.1: 104 of 1,614,122 alleles (0.0064%); highest among the groups gnomAD compares: African/African-American, 0.13%; 1 homozygote.

Submissions (2):

GeneDx
Classification: Uncertain significance. Last evaluated: 2026-09-30. Review status: criteria provided, single submitter. Criteria: GeneDx Variant Classification Process June 2021. Collection method: clinical testing. Allele origin: germline.
Comment: Has not been previously published as pathogenic or benign to our knowledge; In silico analysis suggests that this missense variant does not alter protein structure/function

Ambry Genetics
Classification: Uncertain significance for Inborn genetic diseases. Last evaluated: 2022-02-10. Review status: criteria provided, single submitter. Criteria: Ambry Variant Classification Scheme 2023. Collection method: clinical testing. Allele origin: germline.
Comment: The c.249C>G (p.I83M) alteration is located in exon 2 (coding exon 2) of the TRIT1 gene. This alteration results from a C to G substitution at nucleotide position 249, causing the isoleucine (I) at amino acid position 83 to be replaced by a methionine (M). The p.I83M alteration is predicted to be tolerated by in silico analysis. Based on insufficient or conflicting evidence, the clinical significance of this alteration remains unclear.

NM_017646.6(TRIT1):c.249C>G (p.Ile83Met)

Gene: TRIT1 (tRNA isopentenyltransferase 1; minus strand). Cytogenetic location: 1p34.2.
Variant type: single nucleotide variant.
Coding change: c.249C>G on transcript NM_017646.6 (MANE Select); coding-DNA position 249, C replaced by G.
Protein change: p.Ile83Met; replaces isoleucine 83 with methionine.
Molecular consequence: missense variant. On other transcripts: intron variant (1).
Genome position (GRCh38, 1-based): chr1:39,857,343, G>C on the plus strand (C>G on the coding strand, the complement: TRIT1 is on the minus strand). VCF-style: chr1-39857343-G-C. GRCh37 (hg19) VCF-style: chr1-40323015-G-C.
Other names: c.175-4467C>G (NM_001312692.1); c.249C>G, p.Ile83Met (NM_001312691.2); short protein forms I83M.
Identifiers: ClinVar variation 2408886 (VCV002408886.4), dbSNP rs199602634, ClinGen allele CA788159.